The following is an entry in ClinVar:

NM_024675.4(PALB2):c.246A>C (p.Leu82Phe)

Gene: PALB2 (partner and localizer of BRCA2; minus strand). Cytogenetic location: 16p12.2.
Variant type: single nucleotide variant.
Coding change: c.246A>C on transcript NM_024675.4 (MANE Select); coding-DNA position 246, A replaced by C.
Protein change: p.Leu82Phe; replaces leucine 82 with phenylalanine.
Molecular consequence: missense variant. On other transcripts: 5 prime UTR variant (8), intron variant (3).
Genome position (GRCh38, 1-based): chr16:23,636,300, T>G on the plus strand (A>C on the coding strand, the complement: PALB2 is on the minus strand). VCF-style: chr16-23636300-T-G. GRCh37 (hg19) VCF-style: chr16-23647621-T-G.
Other names: c.186A>C, p.Leu62Phe (NM_001407296.1); c.246A>C, p.Leu82Phe (NM_001407297.1, NM_001407298.1, NM_001407299.1 and 3 more transcripts); c.-640A>C (NM_001407304.1, NM_001407305.1, NM_001407306.1 and 5 more transcripts); c.48+4810A>C (NM_001407314.1); c.-105+4810A>C (NM_001407313.1, NM_001407312.1); short protein forms L82F, L62F.
Identifiers: ClinVar variation 4769777 (VCV004769777.1).

ClinVar aggregate classification (germline): Uncertain significance (1 of 4 stars; one submission).

Conditions:
Familial cancer of breast. Also called: BREAST CANCER, FAMILIAL; hereditary breast carcinoma; Hereditary breast cancer. Identifiers: Orphanet 227535, MedGen C0346153, MONDO:0016419, OMIM 114480. Disease mechanism: loss of function.

Submission:

Labcorp Genetics (formerly Invitae), Labcorp
Classification: Uncertain significance for Familial cancer of breast. Last evaluated: 2026-01-17. Review status: criteria provided, single submitter. Criteria: Invitae Variant Classification Sherloc (09022015). Collection method: clinical testing. Allele origin: germline.
Comment: This sequence change replaces leucine, which is neutral and non-polar, with phenylalanine, which is neutral and non-polar, at codon 82 of the PALB2 protein (p.Leu82Phe). This variant is not present in population databases (gnomAD no frequency). This variant has not been reported in the literature in individuals affected with PALB2-related conditions. An algorithm developed to predict the effect of missense changes on protein structure and function (PolyPhen-2) suggests that this variant is likely to be disruptive. In summary, the available evidence is currently insufficient to determine the role of this variant in disease. Therefore, it has been classified as a Variant of Uncertain Significance.